The following is an entry in ClinVar:

NM_004098.4(EMX2):c.348G>T (p.Pro116=)

Genes: EMX2 (empty spiracles homeobox 2; plus strand), EMX2OS (EMX2 opposite strand/antisense RNA; minus strand). Cytogenetic location: 10q26.11.
Variant type: single nucleotide variant.
Coding change: c.348G>T on transcript NM_004098.4 (MANE Select); coding-DNA position 348, G replaced by T.
Protein change: p.Pro116=; no amino-acid change (proline 116 retained).
Molecular consequence: synonymous variant.
Genome position (GRCh38, 1-based): chr10:117,543,615, G>T. VCF-style: chr10-117543615-G-T. GRCh37 (hg19) VCF-style: chr10-119303126-G-T.
Other names: c.348G>T (NM_004098.3); c.348G>T, p.Pro116= (NM_001165924.2).
Identifiers: ClinVar variation 502001 (VCV000502001.6), dbSNP rs144775289, ClinGen allele CA5711430.
Genomic context (GRCh38, chr10:117,543,615, plus strand): 5'-CCACCCCCTACCCTCCTCGCACTCGCCACACCCCCTATTCGCCTCGCAGCAGCGGGATCC[G>T]TCCACCTTCTACCCCTGGCTCATCCACCGCTACCGATATCTGGGTCATCGCTTCCAAGGT-3'
Protein context (NP_004089.1, residues 106-126): HPLFASQQRD[Pro116=]STFYPWLIHR

ClinVar aggregate classification (germline): Conflicting classifications of pathogenicity. Review status: criteria provided, conflicting classifications (1 of 4 stars). 2 submissions from 2 submitters: Uncertain significance (1); Likely benign (1). Last evaluated 2025-10-09.

Conditions:
EMX2-related disorder. Also called: EMX2-related condition.

Allele frequency attached by ClinVar (database versions not stated): gnomAD exomes 0.00013; ExAC 0.00015; ESP Exome Variant Server 0.00015; gnomAD 0.00017 and 0.00018; TOPMed 0.00019.
gnomAD v4.1: 371 of 1,612,754 alleles (0.023%); highest among the groups gnomAD compares: Non-Finnish European, 0.03%; no homozygotes.

Submissions (2):

PreventionGenetics, part of Exact Sciences
Classification: Likely benign for EMX2-related condition. Last evaluated: 2025-10-09. Review status: criteria provided, single submitter. Criteria: ACMG Guidelines, 2015. Collection method: clinical testing. Allele origin: germline.
Comment: This variant is classified as likely benign based on ACMG/AMP sequence variant interpretation guidelines (Richards et al. 2015 PMID: 25741868, with internal and published modifications).

Eurofins Ntd Llc (ga)
Classification: Uncertain significance. Last evaluated: 2017-05-23. Review status: criteria provided, single submitter. Criteria: EGL Classification Definitions 2015. Collection method: clinical testing. Allele origin: germline. Observed: 2 variant alleles, 2 heterozygotes.